The following is an entry in ClinVar:

NM_002016.2(FLG):c.8553C>T (p.Ser2851=)

Genes: CCDST (cervical cancer associated DHX9 suppressive transcript; plus strand), FLG (filaggrin; minus strand). Cytogenetic location: 1q21.3.
Variant type: single nucleotide variant.
Coding change: c.8553C>T on transcript NM_002016.2 (MANE Select); coding-DNA position 8553, C replaced by T.
Protein change: p.Ser2851=; no amino-acid change (serine 2851 retained).
Molecular consequence: synonymous variant.
Genome position (GRCh38, 1-based): chr1:152,306,333, G>A on the plus strand (C>T on the coding strand, the complement: FLG is on the minus strand). VCF-style: chr1-152306333-G-A. GRCh37 (hg19) VCF-style: chr1-152278809-G-A.
Identifiers: ClinVar variation 3904857 (VCV003904857.10).
Genomic context (GRCh38, chr1:152,306,333, plus strand): 5'-TGAGTGTCTAGAGATGTCGGCATGAGTGGAAGCTTCATGGTGACGCGACCCTGAGTGCCT[G>A]GAGCCGTCTCCTGATTGTTCCTCATTACGTGTTGTTCTGCTTGCACTTCTGGATCCTGAC-3'
Protein context (NP_002007.1, residues 2841-2861): TRNEEQSGDG[Ser2851=]RHSGSRHHEA

ClinVar aggregate classification (germline): Likely benign (1 of 4 stars; one submission).

Submission:

CeGaT Center for Human Genetics Tuebingen
Classification: Likely benign. Last evaluated: 2025-05-01. Review status: criteria provided, single submitter. Criteria: CeGaT Center For Human Genetics Tuebingen Variant Classification Criteria Version 2. Collection method: clinical testing. Allele origin: germline. Affected: yes. Observed: 1 variant allele.
Comment: FLG: BP4, BP7